The following is an entry in ClinVar:

NM_001288705.3(CSF1R):c.967G>A (p.Val323Ile)

Gene: CSF1R (colony stimulating factor 1 receptor; minus strand). Cytogenetic location: 5q32.
Variant type: single nucleotide variant.
Coding change: c.967G>A on transcript NM_001288705.3 (MANE Select); coding-DNA position 967, G replaced by A.
Protein change: p.Val323Ile; replaces valine 323 with isoleucine.
Molecular consequence: missense variant. On other transcripts: non-coding transcript variant (2).
Genome position (GRCh38, 1-based): chr5:150,073,416, C>T on the plus strand (G>A on the coding strand, the complement: CSF1R is on the minus strand). VCF-style: chr5-150073416-C-T. GRCh37 (hg19) VCF-style: chr5-149452979-C-T.
Other names: c.967G>A, p.Val323Ile (NM_001349736.2, NM_001375320.1, NM_005211.4); c.523G>A, p.Val175Ile (NM_001375321.1); short protein forms V175I, V323I.
Identifiers: ClinVar variation 3697949 (VCV003697949.2).

ClinVar aggregate classification (germline): Uncertain significance (1 of 4 stars; one submission).

gnomAD v4.1: 1 of 1,614,096 alleles (0.000062%); highest among the groups gnomAD compares: Non-Finnish European, 0.000085%; no homozygotes.

Submission:

Labcorp Genetics (formerly Invitae), Labcorp
Classification: Uncertain significance. Last evaluated: 2024-01-22. Review status: criteria provided, single submitter. Criteria: Invitae Variant Classification Sherloc (09022015). Collection method: clinical testing. Allele origin: germline.
Comment: This sequence change replaces valine, which is neutral and non-polar, with isoleucine, which is neutral and non-polar, at codon 323 of the CSF1R protein (p.Val323Ile). This variant is present in population databases (no rsID available, gnomAD 0.006%). This variant has not been reported in the literature in individuals affected with CSF1R-related conditions. Advanced modeling of protein sequence and biophysical properties (such as structural, functional, and spatial information, amino acid conservation, physicochemical variation, residue mobility, and thermodynamic stability) performed at Invitae indicates that this missense variant is not expected to disrupt CSF1R protein function with a negative predictive value of 95%. In summary, the available evidence is currently insufficient to determine the role of this variant in disease. Therefore, it has been classified as a Variant of Uncertain Significance.